The following is an entry in ClinVar:

NM_013442.3(STOML2):c.520C>T (p.Arg174Cys)

Genes: PIGO-AS1 (PIGO antisense RNA 1; plus strand), STOML2 (stomatin like 2; minus strand). Cytogenetic location: 9p13.3.
Variant type: single nucleotide variant.
Coding change: c.520C>T on transcript NM_013442.3 (MANE Select); coding-DNA position 520, C replaced by T.
Protein change: p.Arg174Cys; replaces arginine 174 with cysteine.
Molecular consequence: missense variant. On other transcripts: non-coding transcript variant (1), intron variant (1).
Genome position (GRCh38, 1-based): chr9:35,101,485, G>A on the plus strand (C>T on the coding strand, the complement: STOML2 is on the minus strand). VCF-style: chr9-35101485-G-A. GRCh37 (hg19) VCF-style: chr9-35101482-G-A.
Other names: c.520C>T (NM_013442.1); c.367C>T, p.Arg123Cys (NM_001287032.1); c.382C>T, p.Arg128Cys (NM_001287033.2); c.445-206C>T (NM_001287031.2); short protein forms R123C, R128C, R174C.
Identifiers: ClinVar variation 2659170 (VCV002659170.25), dbSNP rs1313882943, ClinGen allele CA373332846.

ClinVar aggregate classification (germline): Uncertain significance. Review status: criteria provided, multiple submitters, no conflicts (2 of 4 stars). 2 submissions from 2 submitters: Uncertain significance (2). Last evaluated 2024-04-08.

Allele frequency attached by ClinVar (database versions not stated): TOPMed below 0.00001; gnomAD exomes 0.00001.
gnomAD v4.1: 5 of 1,614,080 alleles (0.00031%); highest among the groups gnomAD compares: Non-Finnish European, 0.00042%; no homozygotes.

Submissions (2):

Ambry Genetics
Classification: Uncertain significance. Last evaluated: 2024-04-08. Review status: criteria provided, single submitter. Criteria: Ambry Variant Classification Scheme 2023. Collection method: clinical testing. Allele origin: germline.

CeGaT Center for Human Genetics Tuebingen
Classification: Uncertain significance. Last evaluated: 2022-09-01. Review status: criteria provided, single submitter. Criteria: CeGaT Center For Human Genetics Tuebingen Variant Classification Criteria Version 2. Collection method: clinical testing. Allele origin: germline. Affected: yes. Observed: 1 variant allele.
Comment: STOML2: PM2, PP3